The following is an entry in ClinVar:

NM_001360.3(DHCR7):c.744G>A (p.Trp248Ter)

Gene: DHCR7 (7-dehydrocholesterol reductase; minus strand). Cytogenetic location: 11q13.4.
Variant type: single nucleotide variant.
Coding change: c.744G>A on transcript NM_001360.3 (MANE Select); coding-DNA position 744, G replaced by A.
Protein change: p.Trp248Ter; replaces tryptophan 248 with a stop codon.
Molecular consequence: nonsense.
Genome position (GRCh38, 1-based): chr11:71,438,966, C>T on the plus strand (G>A on the coding strand, the complement: DHCR7 is on the minus strand). VCF-style: chr11-71438966-C-T. GRCh37 (hg19) VCF-style: chr11-71150012-C-T.
Other names: c.744G>A, p.Trp248Ter (NM_001163817.2); short protein forms W248*.
Identifiers: ClinVar variation 1342621 (VCV001342621.4), dbSNP rs104894212, ClinGen allele CA381703366.

ClinVar aggregate classification (germline): Pathogenic/Likely pathogenic. Review status: criteria provided, multiple submitters, no conflicts (2 of 4 stars). 3 submissions from 3 submitters: Pathogenic (1); Likely pathogenic (2). Last evaluated 2024-10-17.

Conditions:
Smith-Lemli-Opitz syndrome (SLOS). Also called: POLYDACTYLY, SEX REVERSAL, RENAL HYPOPLASIA, AND UNILOBAR LUNG; RSH SYNDROME; RUTLEDGE LETHAL MULTIPLE CONGENITAL ANOMALY SYNDROME; LETHAL ACRODYSGENITAL SYNDROME; 7-Dehydrocholesterol reductase deficiency. Identifiers: Orphanet 818, MedGen C0175694, MONDO:0010035, OMIM 270400.

Submissions (3):

Natera, Inc.
Classification: Likely pathogenic for Smith-Lemli-Opitz syndrome. Last evaluated: 2024-10-17. Review status: criteria provided, single submitter. Criteria: Natera Variant Classification Schema (03/2026). Collection method: clinical testing. Allele origin: germline.
Comment: The c.744G>A variant in DHCR7 is a nonsense variant predicted to introduce a stop codon at amino acid 248. This variant is expected to result in nonsense mediated decay, truncation, or a dysfunctional protein product. This variant is rare in the general population with a frequency below the threshold expected for the associated phenotype(s). Given the available evidence, this variant is classified as Likely Pathogenic.

Labcorp Genetics (formerly Invitae), Labcorp
Classification: Pathogenic for Smith-Lemli-Opitz syndrome. Last evaluated: 2024-02-14. Review status: criteria provided, single submitter. Criteria: Invitae Variant Classification Sherloc (09022015). Collection method: clinical testing. Allele origin: germline.
Comment: This sequence change creates a premature translational stop signal (p.Trp248*) in the DHCR7 gene. It is expected to result in an absent or disrupted protein product. Loss-of-function variants in DHCR7 are known to be pathogenic (PMID: 9634533, 10677299). This variant is not present in population databases (gnomAD no frequency). This variant has not been reported in the literature in individuals affected with DHCR7-related conditions. ClinVar contains an entry for this variant (Variation ID: 1342621). For these reasons, this variant has been classified as Pathogenic.

New York Genome Center
Classification: Likely pathogenic for Smith-Lemli-Opitz syndrome. Last evaluated: 2021-03-05. Review status: criteria provided, single submitter. Criteria: NYGC Assertion Criteria 2020. Collection method: clinical testing. Allele origin: inherited. Observed: 1 heterozygote. Study: CSER-NYCKidSeq.

Literature cited by the submitters: PubMed 9634533 (cited by Labcorp Genetics (formerly Invitae), Labcorp); PubMed 10677299 (cited by Labcorp Genetics (formerly Invitae), Labcorp).